The following is an entry in ClinVar:

NM_020937.4(FANCM):c.2137T>G (p.Leu713Val)

Gene: FANCM (FA complementation group M; plus strand). Cytogenetic location: 14q21.2.
Variant type: single nucleotide variant.
Coding change: c.2137T>G on transcript NM_020937.4 (MANE Select); coding-DNA position 2137, T replaced by G.
Protein change: p.Leu713Val; replaces leucine 713 with valine.
Molecular consequence: missense variant.
Genome position (GRCh38, 1-based): chr14:45,170,723, T>G. VCF-style: chr14-45170723-T-G. GRCh37 (hg19) VCF-style: chr14-45639926-T-G.
Other names: c.2059T>G, p.Leu687Val (NM_001308133.2); short protein forms L713V, L687V.
Identifiers: ClinVar variation 4619593 (VCV004619593.1).

ClinVar aggregate classification (germline): Uncertain significance (1 of 4 stars; one submission).

Conditions:
Inborn genetic diseases. Identifiers: MedGen C0950123, MeSH D030342.

Submission:

Ambry Genetics
Classification: Uncertain significance for Inborn genetic diseases. Last evaluated: 2025-11-18. Review status: criteria provided, single submitter. Criteria: Ambry Variant Classification Scheme 2023. Collection method: clinical testing. Allele origin: germline.
Comment: The p.L713V variant (also known as c.2137T>G), located in coding exon 12 of the FANCM gene, results from a T to G substitution at nucleotide position 2137. The leucine at codon 713 is replaced by valine, an amino acid with highly similar properties. This amino acid position is conserved. In addition, this alteration is predicted to be tolerated by in silico analysis. Based on the available evidence, the clinical significance of this variant remains unclear.